The following is an entry in ClinVar:

ClinVar aggregate classification (germline): Likely benign. Review status: criteria provided, multiple submitters, no conflicts (2 of 4 stars). 3 submissions from 3 submitters: Likely benign (3). Last evaluated 2026-06-28.

Conditions:
DYNC1H1-related disorder. Also called: DYNC1H1-related disorders; DYNC1H1-related condition. Identifiers: MedGen CN381529.
Charcot-Marie-Tooth disease axonal type 2O. Also called: CHARCOT-MARIE-TOOTH NEUROPATHY, AXONAL, TYPE 2O; CHARCOT-MARIE-TOOTH DISEASE, AXONAL, AUTOSOMAL DOMINANT, TYPE 2O; Charcot-Marie-Tooth Neuropathy Type 2O; Charcot-Marie-Tooth disease, axonal, type 20. Identifiers: Orphanet 284232, MedGen C3280220, MONDO:0013644, OMIM 614228.
Inborn genetic diseases. Identifiers: MedGen C0950123, MeSH D030342.

Allele frequency attached by ClinVar (database versions not stated): gnomAD 0.00001; gnomAD exomes 0.00002; TOPMed 0.00002.
gnomAD v4.1: 16 of 1,614,018 alleles (0.00099%); highest among the groups gnomAD compares: Middle Eastern, 0.066%; no homozygotes.

Submissions (3):

PreventionGenetics, part of Exact Sciences
Classification: Likely benign for DYNC1H1-related condition. Last evaluated: 2026-06-28. Review status: criteria provided, single submitter. Criteria: ACMG Guidelines, 2015. Collection method: clinical testing. Allele origin: germline.
Comment: This variant is classified as likely benign based on ACMG/AMP sequence variant interpretation guidelines (Richards et al. 2015 PMID: 25741868, with internal and published modifications).

Labcorp Genetics (formerly Invitae), Labcorp
Classification: Likely benign for Charcot-Marie-Tooth disease axonal type 2O. Last evaluated: 2024-11-05. Review status: criteria provided, single submitter. Criteria: Invitae Variant Classification Sherloc (09022015). Collection method: clinical testing. Allele origin: germline.

Ambry Genetics
Classification: Likely benign for Inborn genetic diseases. Last evaluated: 2018-01-24. Review status: criteria provided, single submitter. Criteria: Ambry Variant Classification Scheme 2023. Collection method: clinical testing. Allele origin: germline.

NM_001376.5(DYNC1H1):c.12864C>T (p.Val4288=)

Gene: DYNC1H1 (dynein cytoplasmic 1 heavy chain 1; plus strand). Cytogenetic location: 14q32.31.
Variant type: single nucleotide variant.
Coding change: c.12864C>T on transcript NM_001376.5 (MANE Select); coding-DNA position 12864, C replaced by T.
Protein change: p.Val4288=; no amino-acid change (valine 4288 retained).
Molecular consequence: synonymous variant.
Genome position (GRCh38, 1-based): chr14:102,044,453, C>T. VCF-style: chr14-102044453-C-T. GRCh37 (hg19) VCF-style: chr14-102510790-C-T.
Identifiers: ClinVar variation 772007 (VCV000772007.13), dbSNP rs1264893844, ClinGen allele CA488186880.
Genomic context (GRCh38, chr14:102,044,453, plus strand): 5'-CCTGGAGCGCCTGTTCACAACCAGGAGTTTCGACAGTGAGTTTAAGCTGGCATGCAAGGT[C>T]GACGGACATAAAGACATTCAAATGCCAGATGGCATCAGGTATGCTGCTGCCTGCTGGAAT-3'
Protein context (NP_001367.2, residues 4278-4298): FDSEFKLACK[Val4288=]DGHKDIQMPD